The following is an entry in ClinVar:

ClinVar aggregate classification (germline): Uncertain significance (1 of 4 stars; one submission).

Submission:

Labcorp Genetics (formerly Invitae), Labcorp
Classification: Uncertain significance. Last evaluated: 2024-02-06. Review status: criteria provided, single submitter. Criteria: Invitae Variant Classification Sherloc (09022015). Collection method: clinical testing. Allele origin: germline.
Comment: The EPB41 gene has multiple clinically relevant transcripts. This variant occurs in alternate transcript NM_001166005.1, and corresponds to NM_004437.3:c.1588-3031C>G in the primary transcript. This sequence change replaces threonine, which is neutral and polar, with serine, which is neutral and polar, at codon 772 of the EPB41 protein (p.Thr772Ser). This variant is not present in population databases (gnomAD no frequency). This variant has not been reported in the literature in individuals affected with EPB41-related conditions. Experimental studies and prediction algorithms are not available or were not evaluated, and the functional significance of this variant is currently unknown. In summary, the available evidence is currently insufficient to determine the role of this variant in disease. Therefore, it has been classified as a Variant of Uncertain Significance.

NM_001376013.1(EPB41):c.2315C>G (p.Thr772Ser)

Gene: EPB41 (erythrocyte membrane protein band 4.1; plus strand). Cytogenetic location: 1p35.3.
Variant type: single nucleotide variant.
Coding change: c.2315C>G on transcript NM_001376013.1 (MANE Select); coding-DNA position 2315, C replaced by G.
Protein change: p.Thr772Ser; replaces threonine 772 with serine.
Molecular consequence: missense variant. On other transcripts: intron variant (1).
Genome position (GRCh38, 1-based): chr1:29,109,337, C>G. VCF-style: chr1-29109337-C-G. GRCh37 (hg19) VCF-style: chr1-29435849-C-G.
Other names: c.2315C>G, p.Thr772Ser (NM_001166005.2); c.1526C>G, p.Thr509Ser (NM_001166007.2); c.2246C>G, p.Thr749Ser (NM_001376014.1); c.2210C>G, p.Thr737Ser (NM_001376015.1); c.1688C>G, p.Thr563Ser (NM_001376022.1); c.1646C>G, p.Thr549Ser (NM_203342.3); c.2048C>G, p.Thr683Ser (NM_203343.3); c.1588-3031C>G (NM_004437.4); short protein forms T509S, T549S, T683S, T737S, T749S, T563S, T772S.
Identifiers: ClinVar variation 3639354 (VCV003639354.2).